The following is an entry in ClinVar:

ClinVar aggregate classification (germline): Uncertain significance (1 of 4 stars; one submission).

Conditions:
Leber congenital amaurosis 9 (LCA9). Also called: LCA9 Leber Congenital Amaurosis; LCA 9; Amaurosis congenita of Leber, type 9. Identifiers: Orphanet 65, MedGen C1837873, MONDO:0012056, OMIM 608553.

Allele frequency attached by ClinVar (database versions not stated): gnomAD exomes below 0.00001; gnomAD 0.00001.
gnomAD v4.1: 3 of 1,614,014 alleles (0.00019%); highest among the groups gnomAD compares: African/African-American, 0.004%; no homozygotes.

Submission:

Labcorp Genetics (formerly Invitae), Labcorp
Classification: Uncertain significance for Leber congenital amaurosis 9. Last evaluated: 2022-05-19. Review status: criteria provided, single submitter. Criteria: Invitae Variant Classification Sherloc (09022015). Collection method: clinical testing. Allele origin: germline.
Comment: This sequence change replaces valine, which is neutral and non-polar, with isoleucine, which is neutral and non-polar, at codon 186 of the NMNAT1 protein (p.Val186Ile). This variant is present in population databases (no rsID available, gnomAD 0.007%). This variant has not been reported in the literature in individuals affected with NMNAT1-related conditions. ClinVar contains an entry for this variant (Variation ID: 1013773). Algorithms developed to predict the effect of missense changes on protein structure and function output the following: SIFT: "Tolerated"; PolyPhen-2: "Benign"; Align-GVGD: "Class C0". The isoleucine amino acid residue is found in multiple mammalian species, which suggests that this missense change does not adversely affect protein function. In summary, the available evidence is currently insufficient to determine the role of this variant in disease. Therefore, it has been classified as a Variant of Uncertain Significance.

NM_022787.4(NMNAT1):c.556G>A (p.Val186Ile)

Gene: NMNAT1 (nicotinamide nucleotide adenylyltransferase 1; plus strand). Cytogenetic location: 1p36.22.
Variant type: single nucleotide variant.
Coding change: c.556G>A on transcript NM_022787.4 (MANE Select); coding-DNA position 556, G replaced by A.
Protein change: p.Val186Ile; replaces valine 186 with isoleucine.
Molecular consequence: missense variant.
Genome position (GRCh38, 1-based): chr1:9,982,417, G>A. VCF-style: chr1-9982417-G-A. GRCh37 (hg19) VCF-style: chr1-10042475-G-A.
Other names: c.556G>A, p.Val186Ile (NM_001297778.1); short protein forms V186I.
Identifiers: ClinVar variation 1013773 (VCV001013773.5), dbSNP rs1557475933, ClinGen allele CA338686711.